The following is an entry in ClinVar:

NM_000520.6(HEXA):c.1123G>T (p.Glu375Ter)

Gene: HEXA (hexosaminidase subunit alpha; minus strand). Cytogenetic location: 15q23.
Variant type: single nucleotide variant.
Coding change: c.1123G>T on transcript NM_000520.6 (MANE Select); coding-DNA position 1123, G replaced by T.
Protein change: p.Glu375Ter; replaces glutamic acid 375 with a stop codon.
Molecular consequence: nonsense.
Genome position (GRCh38, 1-based): chr15:72,347,709, C>A on the plus strand (G>T on the coding strand, the complement: HEXA is on the minus strand). VCF-style: chr15-72347709-C-A. GRCh37 (hg19) VCF-style: chr15-72640050-C-A.
Other names: c.1156G>T, p.Glu386Ter (NM_001318825.2); short protein forms E375*, E386*.
Identifiers: ClinVar variation 983874 (VCV000983874.3), dbSNP rs2088635332, ClinGen allele CA393061681.
Genomic context (GRCh38, chr15:72,347,709, plus strand): 5'-CTGCTGGTGGCTTCTTCTCTTCTCTGCCCCGGCTCACCTTTACTTTATTATCAAACACCT[C>A]CTGCCACACCACATAGCCCTTGCCATAAGAAGAGACGATGTCCAGCAGCCTGGAGAGGAG-3'

ClinVar aggregate classification (germline): Likely pathogenic (1 of 4 stars; one submission).

Conditions:
Tay-Sachs disease (TSD). Also called: Hexosaminidase A Deficiency; HEXA Disorders; GM2 gangliosidosis, type 1; Hexosaminidase alpha-subunit deficiency (variant B); Sphingolipidosis, Tay-Sachs; HEXA DEFICIENCY. Identifiers: Orphanet 845, MedGen C0039373, MONDO:0010100, OMIM 272800.

Submission:

Myriad Genetics, Inc.
Classification: Likely pathogenic for Tay-Sachs disease. Last evaluated: 2019-12-28. Review status: criteria provided, single submitter. Criteria: Myriad Women's Health Autosomal Recessive and X-Linked Classification Criteria (2019). Collection method: clinical testing. Allele origin: unknown.
Comment: NM_000520.4(HEXA):c.1123G>T(E375*) is expected to be pathogenic in the context of hexosaminidase A deficiency. This variant is predicted to lead to an abnormal or absent protein product due to the creation of a premature termination codon in HEXA, a gene where loss-of-function variants are known to be pathogenic. Please note: this variant was assessed in the context of healthy population screening.